The following is an entry in ClinVar:

NM_001270.4(CHD1):c.3694C>A (p.Pro1232Thr)

Gene: CHD1 (chromodomain helicase DNA binding protein 1; minus strand). Cytogenetic location: 5q15.
Variant type: single nucleotide variant.
Coding change: c.3694C>A on transcript NM_001270.4 (MANE Select); coding-DNA position 3694, C replaced by A.
Protein change: p.Pro1232Thr; replaces proline 1232 with threonine.
Molecular consequence: missense variant. On other transcripts: non-coding transcript variant (2).
Genome position (GRCh38, 1-based): chr5:98,872,433, G>T on the plus strand (C>A on the coding strand, the complement: CHD1 is on the minus strand). VCF-style: chr5-98872433-G-T. GRCh37 (hg19) VCF-style: chr5-98208137-G-T.
Other names: c.3694C>A, p.Pro1232Thr (NM_001364113.3, NM_001376194.2); short protein forms P1232T.
Identifiers: ClinVar variation 3902068 (VCV003902068.1).

ClinVar aggregate classification (germline): Uncertain significance (1 of 4 stars; one submission).

Conditions:
Pilarowski-Bjornsson syndrome. Also called: DEVELOPMENTAL DELAY AND SPEECH APRAXIA WITH OR WITHOUT SEIZURES. Identifiers: Orphanet 529965, MedGen C4540131, MONDO:0060568, OMIM 617682.

Submission:

Laboratorio de Genetica e Diagnostico Molecular, Hospital Israelita Albert Einstein
Classification: Uncertain significance for Pilarowski-Bjornsson syndrome. Last evaluated: 2024-05-17. Review status: criteria provided, single submitter. Criteria: ACMG Guidelines, 2015. Collection method: clinical testing. Allele origin: germline. Affected: yes.
Comment: ACMG classification criteria: PM2 supporting, PP2 supporting